The following is an entry in ClinVar:

NM_000944.5(PPP3CA):c.844G>C (p.Glu282Gln)

Gene: PPP3CA (protein phosphatase 3 catalytic subunit alpha; minus strand). Cytogenetic location: 4q24.
Variant type: single nucleotide variant.
Coding change: c.844G>C on transcript NM_000944.5 (MANE Select); coding-DNA position 844, G replaced by C.
Protein change: p.Glu282Gln; replaces glutamic acid 282 with glutamine.
Molecular consequence: missense variant.
Genome position (GRCh38, 1-based): chr4:101,083,202, C>G on the plus strand (G>C on the coding strand, the complement: PPP3CA is on the minus strand). VCF-style: chr4-101083202-C-G. GRCh37 (hg19) VCF-style: chr4-102004359-C-G.
Other names: c.844G>C, p.Glu282Gln (NM_001130691.2, NM_001130692.2); short protein forms E282Q.
Identifiers: ClinVar variation 1367394 (VCV001367394.8), dbSNP rs1553923787, ClinGen allele CA357948411.

ClinVar aggregate classification (germline): Uncertain significance (1 of 4 stars; one submission).

Submission:

Labcorp Genetics (formerly Invitae), Labcorp
Classification: Uncertain significance. Last evaluated: 2022-02-02. Review status: criteria provided, single submitter. Criteria: Invitae Variant Classification Sherloc (09022015). Collection method: clinical testing. Allele origin: germline.
Comment: In summary, the available evidence is currently insufficient to determine the role of this variant in disease. Therefore, it has been classified as a Variant of Uncertain Significance. This variant disrupts the p.Glu282 amino acid residue in PPP3CA. Other variant(s) that disrupt this residue have been determined to be pathogenic (PMID: 28942967). This suggests that this residue is clinically significant, and that variants that disrupt this residue are likely to be disease-causing. Algorithms developed to predict the effect of missense changes on protein structure and function (SIFT, PolyPhen-2, Align-GVGD) all suggest that this variant is likely to be disruptive. This variant has not been reported in the literature in individuals affected with PPP3CA-related conditions. This variant is not present in population databases (gnomAD no frequency). This sequence change replaces glutamic acid, which is acidic and polar, with glutamine, which is neutral and polar, at codon 282 of the PPP3CA protein (p.Glu282Gln).

Literature cited by the submitters: PubMed 28942967.